The following is an entry in ClinVar:

ClinVar aggregate classification (germline): Benign. Review status: criteria provided, multiple submitters, no conflicts (2 of 4 stars). 11 submissions from 11 submitters: Benign (8). 3 of the submissions do not count toward it. Last evaluated 2026-02-04.

Conditions:
Myopathy, proximal, and ophthalmoplegia (CMYO6). Also called: MYOPATHY WITH CONGENITAL JOINT CONTRACTURES, OPHTHALMOPLEGIA, AND RIMMED VACUOLES; CONGENITAL MYOPATHY 6 WITH OPHTHALMOPLEGIA; INCLUSION BODY MYOPATHY 3, AUTOSOMAL DOMINANT. Identifiers: Orphanet 363677, Orphanet 79091, MedGen C1854106, MONDO:0011577, OMIM 605637.

Allele frequency attached by ClinVar (database versions not stated): ExAC 0.49217; 1000 Genomes Project 0.54353; ESP Exome Variant Server 0.40843; gnomAD 0.43843 and 0.42634; 1000 Genomes Project 30x 0.53732; TOPMed 0.43819; gnomAD exomes 0.43778 and 0.49819.
gnomAD v4.1: 707,003 of 1,613,458 alleles (44%); highest among the groups gnomAD compares: East Asian, 84%; 162,166 homozygotes.

Submissions (11):

Labcorp Genetics (formerly Invitae), Labcorp
Classification: Benign for Myopathy, proximal, and ophthalmoplegia. Last evaluated: 2026-02-04. Review status: criteria provided, single submitter. Criteria: Invitae Variant Classification Sherloc (09022015). Collection method: clinical testing. Allele origin: germline.

Genome-Nilou Lab
Classification: Benign for Myopathy, proximal, and ophthalmoplegia. Last evaluated: 2021-09-05. Review status: criteria provided, single submitter. Criteria: ACMG Guidelines, 2015. Collection method: clinical testing. Allele origin: germline. Affected: no.

GeneDx
Classification: Benign. Last evaluated: 2018-07-16. Review status: criteria provided, single submitter. Criteria: GeneDx Variant Classification Process June 2021. Collection method: clinical testing. Allele origin: germline. Affected: yes.

Illumina Laboratory Services, Illumina
Classification: Benign for Myopathy, proximal, and ophthalmoplegia. Last evaluated: 2018-01-12. Review status: criteria provided, single submitter. Criteria: ICSL Variant Classification Criteria 13 December 2019. Collection method: clinical testing. Allele origin: germline.
Comment: This variant was observed in the ICSL laboratory as part of a predisposition screen in an ostensibly healthy population. It had not been previously curated by ICSL or reported in the Human Gene Mutation Database (HGMD: prior to June 1st, 2018), and was therefore a candidate for classification through an automated scoring system. Utilizing variant allele frequency, disease prevalence and penetrance estimates, and inheritance mode, an automated score was calculated to assess if this variant is too frequent to cause the disease. Based on the score and internal cut-off values, a variant classified as benign is not then subjected to further curation. The score for this variant resulted in a classification of benign for this disease.

Mayo Clinic Laboratories, Mayo Clinic
Classification: Benign. Last evaluated: 2017-07-18. Review status: criteria provided, single submitter. Criteria: ACMG Guidelines, 2015. Collection method: clinical testing. Allele origin: germline. Observed: 452 variant alleles.

Eurofins Ntd Llc (ga)
Classification: Benign. Last evaluated: 2015-12-08. Review status: criteria provided, single submitter. Criteria: EGL Classification Definitions 2015. Collection method: clinical testing. Allele origin: germline.

Breakthrough Genomics
Classification: Benign. Review status: criteria provided, single submitter. Criteria: ACMG Guidelines, 2015. Collection method: not provided. Allele origin: germline. Inheritance: Autosomal dominant inheritance. Affected: yes.

PreventionGenetics, part of Exact Sciences
Classification: Benign. Review status: criteria provided, single submitter. Criteria: ACMG Guidelines, 2015. Collection method: clinical testing. Allele origin: germline.

Clinical Genetics, Academic Medical Center
Classification: Benign. Review status: no assertion criteria provided. Collection method: clinical testing. Allele origin: germline. Affected: yes. Study: VKGL Data-share Consensus. Not counted in ClinVar's aggregate classification.

Diagnostic Laboratory, Department of Genetics, University Medical Center Groningen
Classification: Benign for Myopathy, proximal, and ophthalmoplegia. Review status: no assertion criteria provided. Collection method: clinical testing. Allele origin: germline. Affected: yes. Study: VKGL Data-share Consensus. Not counted in ClinVar's aggregate classification.

Joint Genome Diagnostic Labs from Nijmegen and Maastricht, Radboudumc and MUMC+
Classification: Benign. Review status: no assertion criteria provided. Collection method: clinical testing. Allele origin: germline. Affected: yes. Study: VKGL Data-share Consensus. Not counted in ClinVar's aggregate classification.

NM_017534.6(MYH2):c.324A>G (p.Glu108=)

Genes: MYH2 (myosin heavy chain 2; minus strand), MYHAS (myosin heavy chain gene cluster antisense RNA; plus strand). Cytogenetic location: 17p13.1.
Variant type: single nucleotide variant.
Coding change: c.324A>G on transcript NM_017534.6 (MANE Select); coding-DNA position 324, A replaced by G.
Protein change: p.Glu108=; no amino-acid change (glutamic acid 108 retained).
Molecular consequence: synonymous variant.
Genome position (GRCh38, 1-based): chr17:10,547,499, T>C on the plus strand (A>G on the coding strand, the complement: MYH2 is on the minus strand). VCF-style: chr17-10547499-T-C. GRCh37 (hg19) VCF-style: chr17-10450816-T-C.
Other names: p.Glu108=; c.324A>G, p.Glu108= (NM_001100112.2).
Identifiers: ClinVar variation 260821 (VCV000260821.27), dbSNP rs12600539, ClinGen allele CA8391681.